The following is an entry in ClinVar:

ClinVar aggregate classification (germline): Uncertain significance (1 of 4 stars; one submission).

Allele frequency attached by ClinVar (database versions not stated): gnomAD exomes 0.00001.
gnomAD v4.1: 7 of 1,614,050 alleles (0.00043%); highest among the groups gnomAD compares: Non-Finnish European, 0.00059%; no homozygotes.

Submission:

Ambry Genetics
Classification: Uncertain significance. Last evaluated: 2022-07-10. Review status: criteria provided, single submitter. Criteria: Ambry Variant Classification Scheme 2023. Collection method: clinical testing. Allele origin: germline.
Comment: The p.K1237N variant (also known as c.3711G>T), located in coding exon 4 of the ALPK2 gene, results from a G to T substitution at nucleotide position 3711. The lysine at codon 1237 is replaced by asparagine, an amino acid with similar properties. This amino acid position is conserved. In addition, this alteration is predicted to be tolerated by in silico analysis. Since supporting evidence is limited at this time, the clinical significance of this alteration remains unclear.

NM_052947.4(ALPK2):c.3711G>T (p.Lys1237Asn)

Genes: ALPK2 (alpha kinase 2; minus strand), LOC126862764 (BRD4-independent group 4 enhancer GRCh37_chr18:56202574-56203773; plus strand). Cytogenetic location: 18q21.31.
Variant type: single nucleotide variant.
Coding change: c.3711G>T on transcript NM_052947.4 (MANE Select); coding-DNA position 3711, G replaced by T.
Protein change: p.Lys1237Asn; replaces lysine 1237 with asparagine.
Molecular consequence: missense variant.
Genome position (GRCh38, 1-based): chr18:58,536,476, C>A on the plus strand (G>T on the coding strand, the complement: ALPK2 is on the minus strand). VCF-style: chr18-58536476-C-A. GRCh37 (hg19) VCF-style: chr18-56203708-C-A.
Other names: short protein forms K1237N.
Identifiers: ClinVar variation 1734206 (VCV001734206.2), dbSNP rs1461157993, ClinGen allele CA402565948.